The following is an entry in ClinVar:

ClinVar aggregate classification (germline): Conflicting classifications of pathogenicity. Review status: criteria provided, conflicting classifications (1 of 4 stars). 4 submissions from 4 submitters: Likely pathogenic (3); Uncertain significance (1). Last evaluated 2026-07-01.

Conditions:
Glycogen storage disease, type II (IOPD). Also called: Glycogen storage disease type 2; Acid maltase deficiency disease; Aglucosidase alfa; Deficiency of alpha-glucosidase; Deficiency of lysosomal alpha-glucosidase; Glucosidase acid-1,4-alpha deficiency. Identifiers: Orphanet 365, MedGen C0017921, MONDO:0009290, OMIM 232300.

Allele frequency attached by ClinVar (database versions not stated): TOPMed below 0.00001.

Submissions (4):

Genomenon, Inc
Classification: Likely pathogenic for Glycogen storage disease, type II. Last evaluated: 2026-07-01. Review status: criteria provided, single submitter. Criteria: Genomenon Sequence Variant Interpretation Standards - Updated. Collection method: curation. Allele origin: germline. Affected: yes.
Comment: GAA p.Leu373Arg (c.1118T>G) is a missense variant that changes the amino acid at codon 373 from Leucine to Arginine. This variant has been observed in at least one proband with a GAA-related disorder in the compound heterozygous and/or homozygous state (PMID:32849613;30214072). It is absent or not present at a significant frequency in gnomAD. In silico models predict that this variant is possibly or probably damaging. In conclusion, we classify GAA p.Leu373Arg (c.1118T>G) as a likely pathogenic variant.

CeGaT Center for Human Genetics Tuebingen
Classification: Likely pathogenic. Last evaluated: 2025-09-01. Review status: criteria provided, single submitter. Criteria: CeGaT Center For Human Genetics Tuebingen Variant Classification Criteria Version 2. Collection method: clinical testing. Allele origin: germline. Affected: yes. Observed: 1 variant allele.
Comment: GAA: PM1, PM2, PM3

Labcorp Genetics (formerly Invitae), Labcorp
Classification: Uncertain significance for Glycogen storage disease, type II. Last evaluated: 2024-12-17. Review status: criteria provided, single submitter. Criteria: Invitae Variant Classification Sherloc (09022015). Collection method: clinical testing. Allele origin: germline.
Comment: This sequence change replaces leucine, which is neutral and non-polar, with arginine, which is basic and polar, at codon 373 of the GAA protein (p.Leu373Arg). This variant is not present in population databases (gnomAD no frequency). This missense change has been observed in individual(s) with Pompe disease (PMID: 22252923). ClinVar contains an entry for this variant (Variation ID: 1356470). Invitae Evidence Modeling of protein sequence and biophysical properties (such as structural, functional, and spatial information, amino acid conservation, physicochemical variation, residue mobility, and thermodynamic stability) indicates that this missense variant is expected to disrupt GAA protein function with a positive predictive value of 95%. In summary, the available evidence is currently insufficient to determine the role of this variant in disease. Therefore, it has been classified as a Variant of Uncertain Significance.

Revvity Omics, Revvity
Classification: Likely pathogenic. Last evaluated: 2024-08-28. Review status: criteria provided, single submitter. Criteria: ACMG Guidelines, 2015. Collection method: clinical testing. Allele origin: germline.

Literature cited by the submitters: PubMed 32849613 (cited by Genomenon, Inc); PubMed 30214072 (cited by Genomenon, Inc); PubMed 22252923 (cited by Labcorp Genetics (formerly Invitae), Labcorp).

NM_000152.5(GAA):c.1118T>G (p.Leu373Arg)

Gene: GAA (alpha glucosidase; plus strand). Cytogenetic location: 17q25.3.
Variant type: single nucleotide variant.
Coding change: c.1118T>G on transcript NM_000152.5 (MANE Select); coding-DNA position 1118, T replaced by G.
Protein change: p.Leu373Arg; replaces leucine 373 with arginine.
Molecular consequence: missense variant.
Genome position (GRCh38, 1-based): chr17:80,108,531, T>G. VCF-style: chr17-80108531-T-G. GRCh37 (hg19) VCF-style: chr17-78082330-T-G.
Other names: c.1118T>G (NM_000152.3); c.1118T>G, p.Leu373Arg (NM_001079803.3, NM_001079804.3); short protein forms L373R.
Identifiers: ClinVar variation 1356470 (VCV001356470.18), dbSNP rs2039150286, ClinGen allele CA401364991.